The following is an entry in ClinVar:

ClinVar aggregate classification (germline): Likely benign. Review status: criteria provided, single submitter (1 of 4 stars). 2 submissions from 2 submitters: Likely benign (1). 1 of the submissions does not count toward it. Last evaluated 2022-06-01.

Conditions:
PNPLA2-related disorder. Also called: PNPLA2-related condition.
Neutral lipid storage myopathy (NLSDM). Also called: NEUTRAL LIPID STORAGE DISEASE WITHOUT ICHTHYOSIS. Identifiers: Orphanet 98908, MedGen C1853136, MONDO:0012545, OMIM 610717.

Allele frequency attached by ClinVar (database versions not stated): gnomAD exomes below 0.00001; gnomAD 0.00001; TOPMed 0.00001.
gnomAD v4.1: 3 of 1,613,968 alleles (0.00019%); highest among the groups gnomAD compares: African/African-American, 0.0027%; no homozygotes.

Submissions (2):

Labcorp Genetics (formerly Invitae), Labcorp
Classification: Likely benign for Neutral lipid storage myopathy. Last evaluated: 2022-06-01. Review status: criteria provided, single submitter. Criteria: Invitae Variant Classification Sherloc (09022015). Collection method: clinical testing. Allele origin: germline.

PreventionGenetics, part of Exact Sciences
Classification: Likely benign for PNPLA2-related condition. Last evaluated: 2019-12-18. Review status: no assertion criteria provided. Collection method: clinical testing. Allele origin: germline. Not counted in ClinVar's aggregate classification.
Comment: This variant is classified as likely benign based on ACMG/AMP sequence variant interpretation guidelines (Richards et al. 2015 PMID: 25741868, with internal and published modifications).

NM_020376.4(PNPLA2):c.543C>T (p.Thr181=)

Gene: PNPLA2 (patatin like domain 2, triacylglycerol lipase; plus strand). Cytogenetic location: 11p15.5.
Variant type: single nucleotide variant.
Coding change: c.543C>T on transcript NM_020376.4 (MANE Select); coding-DNA position 543, C replaced by T.
Protein change: p.Thr181=; no amino-acid change (threonine 181 retained).
Molecular consequence: synonymous variant.
Genome position (GRCh38, 1-based): chr11:822,453, C>T. VCF-style: chr11-822453-C-T. GRCh37 (hg19) VCF-style: chr11-822453-C-T.
Other names: c.543C>T (NM_020376.3).
Identifiers: ClinVar variation 1981409 (VCV001981409.5), dbSNP rs928426970, ClinGen allele CA216969263.
Genomic context (GRCh38, chr11:822,453, plus strand): 5'-GAAGCGCTACGTGGATGGTGGCATTTCAGACAACCTGCCACTCTATGAGCTTAAGAACAC[C>T]ATCACAGTGTCCCCCTTCTCGGGCGAGAGTGACATCTGTCCGCAGGACAGCTCCACCAAC-3'
Protein context (NP_065109.1, residues 171-191): DNLPLYELKN[Thr181=]ITVSPFSGES